The following is an entry in ClinVar:

ClinVar aggregate classification (germline): Uncertain significance (1 of 4 stars; one submission).

Conditions:
DLC1-related disorder. Also called: DLC1-related condition.

Allele frequency attached by ClinVar (database versions not stated): ExAC 0.00003.
gnomAD v4.1: 19 of 1,613,400 alleles (0.0012%); highest among the groups gnomAD compares: East Asian, 0.0089%; no homozygotes.

Submission:

PreventionGenetics, part of Exact Sciences
Classification: Uncertain significance for DLC1-related condition. Last evaluated: 2022-12-19. Review status: criteria provided, single submitter. Criteria: ACMG Guidelines, 2015. Collection method: clinical testing. Allele origin: germline.
Comment: The DLC1 c.1762C>T variant is predicted to result in the amino acid substitution p.Arg588Cys. To our knowledge, this variant has not been reported in the literature. This variant is reported in 0.027% of alleles in individuals of East Asian descent in gnomAD. At this time, the clinical significance of this variant is uncertain due to the absence of conclusive functional and genetic evidence.

NM_182643.3(DLC1):c.1762C>T (p.Arg588Cys)

Gene: DLC1 (DLC1 Rho GTPase activating protein; minus strand). Cytogenetic location: 8p22.
Variant type: single nucleotide variant.
Coding change: c.1762C>T on transcript NM_182643.3 (MANE Select); coding-DNA position 1762, C replaced by T.
Protein change: p.Arg588Cys; replaces arginine 588 with cysteine.
Molecular consequence: missense variant.
Genome position (GRCh38, 1-based): chr8:13,100,575, G>A on the plus strand (C>T on the coding strand, the complement: DLC1 is on the minus strand). VCF-style: chr8-13100575-G-A. GRCh37 (hg19) VCF-style: chr8-12958084-G-A.
Other names: c.229C>T, p.Arg77Cys (NM_001164271.2, NM_001348082.2, NM_001348083.1 and 6 more transcripts); c.553C>T, p.Arg185Cys (NM_001316668.2, NM_001413129.1); c.1762C>T, p.Arg588Cys (NM_001348081.2, NM_001413124.1); c.544C>T, p.Arg182Cys (NM_001413130.1); c.202C>T, p.Arg68Cys (NM_001413131.1, NM_001413137.1); c.688C>T, p.Arg230Cys (NM_001413132.1); c.451C>T, p.Arg151Cys (NM_001413135.1, NM_001413136.1, NM_001413139.1 and 1 more transcripts); c.586C>T, p.Arg196Cys (NM_001413140.1); short protein forms R151C, R182C, R185C, R196C, R230C, R588C, R68C, R77C.
Identifiers: ClinVar variation 2636686 (VCV002636686.1), dbSNP rs751464406, ClinGen allele CA4638819.
Genomic context (GRCh38, chr8:13,100,575, plus strand): 5'-GCGCGTGGCTGGGGAGGCTGCCAGTGCTGCTGAGGCTGCGGACGGAAGACACCTCCTGGC[G>A]CTCGCTGAGGTCCATCAGCGTGCCTCCGGGGCTGGGGCCGTCCTTCGGGTGGGAGTCGTC-3'
Protein context (NP_872584.2, residues 578-598): PGGTLMDLSE[Arg588Cys]QEVSSVRSLS